The following is an entry in ClinVar:

NM_000465.4(BARD1):c.520A>C (p.Ser174Arg)

Gene: BARD1 (BRCA1 associated RING domain 1; minus strand). Cytogenetic location: 2q35.
Variant type: single nucleotide variant.
Coding change: c.520A>C on transcript NM_000465.4 (MANE Select); coding-DNA position 520, A replaced by C.
Protein change: p.Ser174Arg; replaces serine 174 with arginine.
Molecular consequence: missense variant. On other transcripts: non-coding transcript variant (2), intron variant (3).
Genome position (GRCh38, 1-based): chr2:214,781,354, T>G on the plus strand (A>C on the coding strand, the complement: BARD1 is on the minus strand). VCF-style: chr2-214781354-T-G. GRCh37 (hg19) VCF-style: chr2-215646078-T-G.
Other names: c.463A>C, p.Ser155Arg (NM_001282543.2); c.158+28058A>C (NM_001282548.2); c.215+15707A>C (NM_001282545.2); c.364+10943A>C (NM_001282549.2); short protein forms S174R, S155R.
Identifiers: ClinVar variation 406758 (VCV000406758.16), dbSNP rs1060501295, ClinGen allele CA16610595.

ClinVar aggregate classification (germline): Conflicting classifications of pathogenicity. Review status: criteria provided, conflicting classifications (1 of 4 stars). 4 submissions from 4 submitters: Uncertain significance (3); Likely benign (1). Last evaluated 2026-04-03.

Conditions:
Familial cancer of breast. Also called: BREAST CANCER, FAMILIAL; hereditary breast carcinoma; Hereditary breast cancer. Identifiers: Orphanet 227535, MedGen C0346153, MONDO:0016419, OMIM 114480. Disease mechanism: loss of function.
Hereditary cancer-predisposing syndrome. Also called: Tumor predisposition; Hereditary neoplastic syndrome; Neoplastic Syndromes, Hereditary; Hereditary Cancer Syndrome. Identifiers: Orphanet 140162, MedGen C0027672, MeSH D009386, MONDO:0015356.

Allele frequency attached by ClinVar (database versions not stated): gnomAD 0.00001.
gnomAD v4.1: 1 of 1,613,692 alleles (0.000062%); highest among the groups gnomAD compares: Non-Finnish European, 0.000085%; no homozygotes.

Submissions (4):

Women's Health and Genetics/Laboratory Corporation of America, LabCorp
Classification: Uncertain significance. Last evaluated: 2026-04-03. Review status: criteria provided, single submitter. Criteria: LabCorp Variant Classification Summary - May 2015. Collection method: clinical testing. Allele origin: germline.
Comment: Variant summary: BARD1 c.520A>C (p.Ser174Arg) results in a non-conservative amino acid change in the encoded protein sequence. Algorithms developed to predict the effect of missense changes on protein structure and function are either unavailable or do not agree on the potential impact of this missense change. The variant was absent in 250980 control chromosomes. The available data on variant occurrences in the general population are insufficient to allow any conclusion about variant significance. To our knowledge, no occurrence of c.520A>C in individuals affected with BARD1-related conditions and no experimental evidence demonstrating its impact on protein function have been reported. ClinVar contains an entry for this variant (Variation ID: 406758). Based on the evidence outlined above, the variant was classified as uncertain significance.

Labcorp Genetics (formerly Invitae), Labcorp
Classification: Uncertain significance for Familial cancer of breast. Last evaluated: 2026-01-08. Review status: criteria provided, single submitter. Criteria: Invitae Variant Classification Sherloc (09022015). Collection method: clinical testing. Allele origin: germline.
Comment: This sequence change replaces serine, which is neutral and polar, with arginine, which is basic and polar, at codon 174 of the BARD1 protein (p.Ser174Arg). This variant is not present in population databases (gnomAD no frequency). This variant has not been reported in the literature in individuals affected with BARD1-related conditions. ClinVar contains an entry for this variant (Variation ID: 406758). An algorithm developed to predict the effect of missense changes on protein structure and function (PolyPhen-2) suggests that this variant is likely to be tolerated. In summary, the available evidence is currently insufficient to determine the role of this variant in disease. Therefore, it has been classified as a Variant of Uncertain Significance.

Ambry Genetics
Classification: Likely benign for Hereditary cancer-predisposing syndrome. Last evaluated: 2025-04-02. Review status: criteria provided, single submitter. Criteria: Ambry Variant Classification Scheme 2023. Collection method: clinical testing. Allele origin: germline.

Color Diagnostics, LLC DBA Color Health
Classification: Uncertain significance for Hereditary cancer-predisposing syndrome. Last evaluated: 2022-09-16. Review status: criteria provided, single submitter. Criteria: ACMG Guidelines, 2015. Collection method: clinical testing. Allele origin: germline.
Comment: This missense variant replaces serine with arginine at codon 174 of the BARD1 protein. Computational prediction suggests that this variant may not impact protein structure and function (internally defined REVEL score threshold <= 0.5, PMID: 27666373). To our knowledge, functional studies have not been reported for this variant. This variant has not been reported in individuals affected with hereditary cancer in the literature. This variant has not been identified in the general population by the Genome Aggregation Database (gnomAD). The available evidence is insufficient to determine the role of this variant in disease conclusively. Therefore, this variant is classified as a Variant of Uncertain Significance.